The following is an entry in ClinVar:

ClinVar aggregate classification (germline): Uncertain significance (1 of 4 stars; one submission).

Conditions:
Hyperekplexia 3 (HKPX3). Also called: HYPEREKPLEXIA 3, AUTOSOMAL RECESSIVE; HYPEREKPLEXIA 3, AUTOSOMAL DOMINANT. Identifiers: Orphanet 3197, MedGen C3553288, MONDO:0013827, OMIM 614618.

Allele frequency attached by ClinVar (database versions not stated): gnomAD 0.00002; ESP Exome Variant Server 0.00008.
gnomAD v4.1: 168 of 1,607,222 alleles (0.01%); highest among the groups gnomAD compares: Non-Finnish European, 0.014%; 1 homozygote.

Submission:

Labcorp Genetics (formerly Invitae), Labcorp
Classification: Uncertain significance for Hyperekplexia 3. Last evaluated: 2024-05-15. Review status: criteria provided, single submitter. Criteria: Invitae Variant Classification Sherloc (09022015). Collection method: clinical testing. Allele origin: germline.
Comment: This sequence change falls in intron 9 of the SLC6A5 gene. It does not directly change the encoded amino acid sequence of the SLC6A5 protein. It affects a nucleotide within the consensus splice site. This variant is present in population databases (rs376886042, gnomAD 0.007%). This variant has not been reported in the literature in individuals affected with SLC6A5-related conditions. ClinVar contains an entry for this variant (Variation ID: 1468998). Variants that disrupt the consensus splice site are a relatively common cause of aberrant splicing (PMID: 17576681, 9536098). Algorithms developed to predict the effect of sequence changes on RNA splicing suggest that this variant may create or strengthen a splice site. In summary, the available evidence is currently insufficient to determine the role of this variant in disease. Therefore, it has been classified as a Variant of Uncertain Significance.

Literature cited by the submitters: PubMed 17576681; PubMed 9536098.

NM_004211.5(SLC6A5):c.1499+5G>A

Gene: SLC6A5 (solute carrier family 6 member 5; plus strand). Cytogenetic location: 11p15.1.
Variant type: single nucleotide variant.
Coding change: c.1499+5G>A on transcript NM_004211.5 (MANE Select); 5 bases into the intron after coding-DNA position 1499, G replaced by A.
Molecular consequence: intron variant.
Genome position (GRCh38, 1-based): chr11:20,628,088, G>A. VCF-style: chr11-20628088-G-A. GRCh37 (hg19) VCF-style: chr11-20649634-G-A.
Other names: c.797+5G>A (NM_001318369.2).
Identifiers: ClinVar variation 1468998 (VCV001468998.4), dbSNP rs376886042, ClinGen allele CA5921464.